The following is an entry in ClinVar:

NM_003900.5(SQSTM1):c.1165G>C (p.Glu389Gln)

Gene: SQSTM1 (sequestosome 1; plus strand). Cytogenetic location: 5q35.3.
Variant type: single nucleotide variant.
Coding change: c.1165G>C on transcript NM_003900.5 (MANE Select); coding-DNA position 1165, G replaced by C.
Protein change: p.Glu389Gln; replaces glutamic acid 389 with glutamine.
Molecular consequence: missense variant.
Genome position (GRCh38, 1-based): chr5:179,833,782, G>C. VCF-style: chr5-179833782-G-C. GRCh37 (hg19) VCF-style: chr5-179260782-G-C.
Other names: c.913G>C, p.Glu305Gln (NM_001142298.2, NM_001142299.2); short protein forms E305Q, E389Q.
Identifiers: ClinVar variation 1459183 (VCV001459183.7), dbSNP rs1391182750, ClinGen allele CA362453134.
Genomic context (GRCh38, chr5:179,833,782, plus strand): 5'-CCCTCCCAGGAGGGACCCACAGGGCTGAAGGAAGCTGCCTTGTACCCACATCTCCCGCCA[G>C]GCAAGTGAACCAAGAGGTTTTGTACATATTCCTACCTTTCCCTTTAGAGCATCCTGCCCT-3'
Protein context (NP_003891.1, residues 379-399): EAALYPHLPP[Glu389Gln]ADPRLIESLS

ClinVar aggregate classification (germline): Pathogenic. Review status: criteria provided, multiple submitters, no conflicts (2 of 4 stars). 2 submissions from 2 submitters: Pathogenic (2). Last evaluated 2026-03-24.

Conditions:
Paget disease of bone 2, early-onset (PDB2). Also called: Paget disease of bone 2. Identifiers: MedGen C4085251, MONDO:0011183, OMIM 602080.
Frontotemporal dementia and/or amyotrophic lateral sclerosis 1 (FTDALS1). Also called: C9orf72 Frontotemporal Dementia and/or Amyotrophic Lateral Sclerosis; Frontotemporal dementia with motor neuron disease 1. Identifiers: Orphanet 275872, MedGen C5779877, MONDO:0007105, OMIM 105550.
SQSTM1-related disorder. Also called: SQSTM1-Related Disorders.

Allele frequency attached by ClinVar (database versions not stated): gnomAD exomes below 0.00001; TOPMed below 0.00001; gnomAD 0.00001.
gnomAD v4.1: 3 of 1,613,940 alleles (0.00019%); highest among the groups gnomAD compares: Non-Finnish European, 0.00017%; no homozygotes.

Submissions (2):

Women's Health and Genetics/Laboratory Corporation of America, LabCorp
Classification: Pathogenic for SQSTM1-Related Disorders. Last evaluated: 2026-03-24. Review status: criteria provided, single submitter. Criteria: LabCorp Variant Classification Summary - May 2015. Collection method: clinical testing. Allele origin: germline.
Comment: Variant summary: SQSTM1 c.1165G>C (p.Glu389Gln) results in a conservative amino acid change in the encoded protein sequence. Algorithms developed to predict the effect of missense changes on protein structure and function are either unavailable or do not agree on the potential impact of this missense change. Consensus agreement among computation tools predict no significant impact on normal splicing. However, one publication reports experimental evidence showing that this variant affects mRNA splicing (Bevens_2006). The variant was absent in 250934 control chromosomes. c.1165G>C has been observed in multiple heterozygous individuals in one family affected with Pagets Disease of Bone 3 (Bevens_2006). These data indicate that the variant is very likely to be associated with disease. The following publication have been ascertained in the context of this evaluation (PMID: 17120186). ClinVar contains an entry for this variant (Variation ID: 1459183). Based on the evidence outlined above, the variant was classified as pathogenic.

Labcorp Genetics (formerly Invitae), Labcorp
Classification: Pathogenic for Paget disease of bone 2, early-onset; Frontotemporal dementia and/or amyotrophic lateral sclerosis 1. Last evaluated: 2024-10-07. Review status: criteria provided, single submitter. Criteria: Invitae Variant Classification Sherloc (09022015). Collection method: clinical testing. Allele origin: germline.
Comment: This sequence change replaces glutamic acid, which is acidic and polar, with glutamine, which is neutral and polar, at codon 389 of the SQSTM1 protein (p.Glu389Gln). RNA analysis indicates that this missense change induces altered splicing and may result in an absent or altered protein product. This variant is not present in population databases (gnomAD no frequency). This missense change has been observed in individual(s) with autosomal dominant Paget disease of bone (PMID: 17120186). It has also been observed to segregate with disease in related individuals. ClinVar contains an entry for this variant (Variation ID: 1459183). An algorithm developed to predict the effect of missense changes on protein structure and function (PolyPhen-2) suggests that this variant is likely to be tolerated. Variants that disrupt the consensus splice site are a relatively common cause of aberrant splicing (PMID: 17576681, 9536098). Studies have shown that this missense change results in 16nt retention of intron 7, and produces a non-functional protein and/or introduces a premature termination codon (PMID: 17120186). For these reasons, this variant has been classified as Pathogenic.

Literature cited by the submitters: PubMed 17120186 (cited by Women's Health and Genetics/Laboratory Corporation of America, LabCorp and Labcorp Genetics (formerly Invitae), Labcorp); PubMed 17576681 (cited by Labcorp Genetics (formerly Invitae), Labcorp); PubMed 9536098 (cited by Labcorp Genetics (formerly Invitae), Labcorp).